The following is an entry in ClinVar:

NM_001035.3(RYR2):c.9024C>G (p.Phe3008Leu)

Gene: RYR2 (ryanodine receptor 2; plus strand). Cytogenetic location: 1q43.
Variant type: single nucleotide variant.
Coding change: c.9024C>G on transcript NM_001035.3 (MANE Select); coding-DNA position 9024, C replaced by G.
Protein change: p.Phe3008Leu; replaces phenylalanine 3008 with leucine.
Molecular consequence: missense variant.
Genome position (GRCh38, 1-based): chr1:237,687,461, C>G. VCF-style: chr1-237687461-C-G. GRCh37 (hg19) VCF-style: chr1-237850761-C-G.
Other names: short protein forms F3008L.
Identifiers: ClinVar variation 4756770 (VCV004756770.1).
Genomic context (GRCh38, chr1:237,687,461, plus strand): 5'-TTCTACCTTCCCTTCCCCCTTCCCTTTTCTCTTTTGTTTTTCTTTTGTCTTCAGCCTATT[C>G]TGCAAACTTGGAGTTCTTGTCAGGCATAGGATTTCACTATTTGGTAAGGAGACCCTTGAA-3'
Protein context (NP_001026.2, residues 2998-3018): NKEKEMVTSL[Phe3008Leu]CKLGVLVRHR

ClinVar aggregate classification (germline): Uncertain significance (1 of 4 stars; one submission).

Conditions:
Cardiomyopathy (CMYO). Also called: Cardiomyopathies. Identifiers: Orphanet 167848, MedGen C0878544, MONDO:0004994, HP:0001638. Inheritance: Various modes of inheritance.

Submission:

Color Diagnostics, LLC DBA Color Health
Classification: Uncertain significance for Cardiomyopathy. Last evaluated: 2025-06-03. Review status: criteria provided, single submitter. Criteria: ACMG Guidelines, 2015. Collection method: clinical testing. Allele origin: germline.
Comment: This missense variant replaces phenylalanine with leucine at codon 3008 of the RYR2 protein. Computational prediction is inconclusive regarding the impact of this variant on protein structure and function. To our knowledge, functional studies have not been reported for this variant. This variant has not been reported in individuals affected with RYR2-related disorders in the literature. This variant has not been identified in the general population by the Genome Aggregation Database (gnomAD). The available evidence is insufficient to determine the role of this variant in disease conclusively. Therefore, this variant is classified as a Variant of Uncertain Significance.